The following is an entry in ClinVar:

ClinVar aggregate classification (germline): Uncertain significance. Review status: criteria provided, multiple submitters, no conflicts (2 of 4 stars). 3 submissions from 3 submitters: Uncertain significance (3). Last evaluated 2025-01-21.

Conditions:
Hereditary cancer-predisposing syndrome. Also called: Neoplastic Syndromes, Hereditary; Hereditary Cancer Syndrome; Hereditary neoplastic syndrome; Tumor predisposition. Identifiers: Orphanet 140162, MedGen C0027672, MeSH D009386, MONDO:0015356.
Facial dysmorphism-immunodeficiency-livedo-short stature syndrome. Also called: Facial dysmorphism, immunodeficiency, livedo, and short stature; FILS syndrome. Identifiers: Orphanet 352712, MedGen C3554576, MONDO:0014058, OMIM 615139.
Colorectal cancer, susceptibility to, 12 (CRCS12). Also called: COLORECTAL CANCER, SUSCEPTIBILITY TO, ON CHROMOSOME 12q24. Identifiers: Orphanet 220460, MedGen C3554460, MONDO:0014038, OMIM 615083.
Intrauterine growth retardation, metaphyseal dysplasia, adrenal hypoplasia congenita, genital anomalies, and immunodeficiency. Also called: IMAGEI SYNDROME. Identifiers: MedGen C5193036, MONDO:0032684, OMIM 618336.

Allele frequency attached by ClinVar (database versions not stated): ExAC 0.00001; gnomAD 0.00001; gnomAD exomes 0.00001; TOPMed 0.00002.
gnomAD v4.1: 7 of 1,611,652 alleles (0.00043%); highest among the groups gnomAD compares: African/African-American, 0.0027%; no homozygotes.

Submissions (3):

Ambry Genetics
Classification: Uncertain significance for Hereditary cancer-predisposing syndrome. Last evaluated: 2025-01-21. Review status: criteria provided, single submitter. Criteria: Ambry Variant Classification Scheme 2023. Collection method: clinical testing. Allele origin: germline.
Comment: The p.E674K variant (also known as c.2020G>A), located in coding exon 18 of the POLE gene, results from a G to A substitution at nucleotide position 2020. The glutamic acid at codon 674 is replaced by lysine, an amino acid with similar properties. This amino acid position is conserved. In addition, the in silico prediction for this alteration is inconclusive. Based on the available evidence, the clinical significance of this variant remains unclear.

Labcorp Genetics (formerly Invitae), Labcorp
Classification: Uncertain significance. Last evaluated: 2024-11-03. Review status: criteria provided, single submitter. Criteria: Invitae Variant Classification Sherloc (09022015). Collection method: clinical testing. Allele origin: germline.
Comment: This sequence change replaces glutamic acid, which is acidic and polar, with lysine, which is basic and polar, at codon 674 of the POLE protein (p.Glu674Lys). This variant is present in population databases (rs779458859, gnomAD 0.007%). This variant has not been reported in the literature in individuals affected with POLE-related conditions. ClinVar contains an entry for this variant (Variation ID: 540617). Invitae Evidence Modeling of protein sequence and biophysical properties (such as structural, functional, and spatial information, amino acid conservation, physicochemical variation, residue mobility, and thermodynamic stability) indicates that this missense variant is expected to disrupt POLE protein function with a positive predictive value of 80%. In summary, the available evidence is currently insufficient to determine the role of this variant in disease. Therefore, it has been classified as a Variant of Uncertain Significance.

Fulgent Genetics
Classification: Uncertain significance for Colorectal cancer, susceptibility to, 12; Facial dysmorphism-immunodeficiency-livedo-short stature syndrome; Intrauterine growth retardation, metaphyseal dysplasia, adrenal hypoplasia congenita, genital anomalies, and immunodeficiency. Last evaluated: 2022-01-13. Review status: criteria provided, single submitter. Criteria: ACMG Guidelines, 2015. Collection method: clinical testing. Allele origin: unknown.

NM_006231.4(POLE):c.2020G>A (p.Glu674Lys)

Gene: POLE (DNA polymerase epsilon, catalytic subunit; minus strand). Cytogenetic location: 12q24.33.
Variant type: single nucleotide variant.
Coding change: c.2020G>A on transcript NM_006231.4 (MANE Select); coding-DNA position 2020, G replaced by A.
Protein change: p.Glu674Lys; replaces glutamic acid 674 with lysine.
Molecular consequence: missense variant.
Genome position (GRCh38, 1-based): chr12:132,668,641, C>T on the plus strand (G>A on the coding strand, the complement: POLE is on the minus strand). VCF-style: chr12-132668641-C-T. GRCh37 (hg19) VCF-style: chr12-133245227-C-T.
Other names: short protein forms E674K.
Identifiers: ClinVar variation 540617 (VCV000540617.11), dbSNP rs779458859, ClinGen allele CA6893739.